The following is an entry in ClinVar:

NM_152564.5(VPS13B):c.10942G>A (p.Asp3648Asn)

Gene: VPS13B (vacuolar protein sorting 13 homolog B; plus strand). Cytogenetic location: 8q22.2.
Variant type: single nucleotide variant.
Coding change: c.10942G>A on transcript NM_152564.5 (MANE Select); coding-DNA position 10942, G replaced by A.
Protein change: p.Asp3648Asn; replaces aspartic acid 3648 with asparagine.
Molecular consequence: missense variant.
Genome position (GRCh38, 1-based): chr8:99,859,378, G>A. VCF-style: chr8-99859378-G-A. GRCh37 (hg19) VCF-style: chr8-100871606-G-A.
Other names: c.10942G>A (NM_152564.4); c.11017G>A, p.Asp3673Asn (NM_017890.5); short protein forms D3648N, D3673N.
Identifiers: ClinVar variation 589112 (VCV000589112.12), dbSNP rs748727467, ClinGen allele CA4825074.
Genomic context (GRCh38, chr8:99,859,378, plus strand): 5'-TCTCTGGATATTCTTGGCAGCCCTGCAAGCCTGGTGAGAAGCATCGGGAACGGGGTCGCC[G>A]ACTTCTTCAGGCTTCCGTATGAGGGGCTGACCCGGGGCCCTGGAGCCTTCGTGAGTGGCG-3'
Protein context (NP_689777.3, residues 3638-3658): LVRSIGNGVA[Asp3648Asn]FFRLPYEGLT

ClinVar aggregate classification (germline): Uncertain significance. Review status: criteria provided, multiple submitters, no conflicts (2 of 4 stars). 4 submissions from 4 submitters: Uncertain significance (3). 1 of the submissions does not count toward it. Last evaluated 2026-05-04.

Conditions:
Cohen syndrome (COH1). Also called: PEPPER SYNDROME; Cutis verticis gyrata, retinitis pigmentosa, and sensorineural deafness. Identifiers: Orphanet 193, MedGen C0265223, MONDO:0008999, OMIM 216550.
Inborn genetic diseases. Identifiers: MedGen C0950123, MeSH D030342.
VPS13B-related disorder. Also called: VPS13B-related condition.

Allele frequency attached by ClinVar (database versions not stated): gnomAD 0.00002; TOPMed 0.00002.
gnomAD v4.1: 28 of 1,613,914 alleles (0.0017%); highest among the groups gnomAD compares: Admixed American, 0.013%; no homozygotes.

Submissions (4):

PreventionGenetics, part of Exact Sciences
Classification: Uncertain significance for VPS13B-related condition. Last evaluated: 2026-05-04. Review status: criteria provided, single submitter. Criteria: ACMG Guidelines, 2015. Collection method: clinical testing. Allele origin: germline.
Comment: The VPS13B c.10942G>A variant is predicted to result in the amino acid substitution p.Asp3648Asn. To our knowledge, this variant has not been reported in the literature. This variant is reported in 0.025% of alleles in individuals of Latino descent in gnomAD. At this time, the clinical significance of this variant is uncertain due to the absence of conclusive functional and genetic evidence.

Ambry Genetics
Classification: Uncertain significance for Inborn genetic diseases. Last evaluated: 2025-07-14. Review status: criteria provided, single submitter. Criteria: Ambry Variant Classification Scheme 2023. Collection method: clinical testing. Allele origin: germline.

Labcorp Genetics (formerly Invitae), Labcorp
Classification: Uncertain significance for Cohen syndrome. Last evaluated: 2024-10-16. Review status: criteria provided, single submitter. Criteria: Invitae Variant Classification Sherloc (09022015). Collection method: clinical testing. Allele origin: germline.
Comment: This sequence change replaces aspartic acid, which is acidic and polar, with asparagine, which is neutral and polar, at codon 3673 of the VPS13B protein (p.Asp3673Asn). This variant is present in population databases (rs748727467, gnomAD 0.03%). This variant has not been reported in the literature in individuals affected with VPS13B-related conditions. ClinVar contains an entry for this variant (Variation ID: 589112). Invitae Evidence Modeling of protein sequence and biophysical properties (such as structural, functional, and spatial information, amino acid conservation, physicochemical variation, residue mobility, and thermodynamic stability) indicates that this missense variant is expected to disrupt VPS13B protein function with a positive predictive value of 80%. In summary, the available evidence is currently insufficient to determine the role of this variant in disease. Therefore, it has been classified as a Variant of Uncertain Significance.

Natera, Inc.
Classification: Uncertain significance for Cohen syndrome. Last evaluated: 2019-11-11. Review status: no assertion criteria provided. Collection method: clinical testing. Allele origin: germline. Not counted in ClinVar's aggregate classification.